The following is an entry in ClinVar:

NM_001048174.2(MUTYH):c.1239+3_1239+7delinsT

Gene: MUTYH (mutY DNA glycosylase; minus strand). Cytogenetic location: 1p34.1.
Variant type: Indel.
Coding change: c.1239+3_1239+7delinsT on transcript NM_001048174.2 (MANE Select); bases 3 to 7 of the intron after coding-DNA position 1239, AAGTG replaced by T.
Molecular consequence: intron variant.
Genome position (GRCh38, 1-based): chr1:45,331,413-45,331,417, CACTT replaced by A on the plus strand (AAGTG replaced by T on the coding strand, the reverse complement: MUTYH is on the minus strand). VCF-style: chr1-45331413-CACTT-A. GRCh37 (hg19) VCF-style: chr1-45797085-CACTT-A.
Other names: c.1239+3_1239+7delinsT (NM_001407072.1, NM_001407073.1, NM_001048171.2 and 6 more transcripts); c.894+3_894+7delinsT (NM_001350651.2, NM_001350650.2, NM_001407082.1); c.963+3_963+7delinsT (NM_001293192.2, NM_001293196.2, NM_001407091.1); c.1284+3_1284+7delinsT (NM_001293190.2); c.1272+3_1272+7delinsT (NM_001407069.1, NM_001407077.1, NM_001293191.2); c.1314+3_1314+7delinsT (NM_012222.3); c.1323+3_1323+7delinsT (NM_001128425.2); c.1242+3_1242+7delinsT (NM_001407071.1, NM_001048172.2, NM_001407078.1 and 1 more transcripts); and 5 more.
Identifiers: ClinVar variation 5024987 (VCV005024987.1).
Genomic context (GRCh38, chr1:45,331,413, plus strand): 5'-GGTTCAAATAGGCCTGTGGATATAGCCTCAAAAGCCAACATCCTTGGCTATTCCGCTGCT[CACTT>A]ACCTCCCCAAGGTGCCGGAGGTGCGTGGCTGGGAGGGGCCCAGCCCAACGCTGTAGTTCC-3'

ClinVar aggregate classification (germline): Uncertain significance (1 of 4 stars; one submission).

Conditions:
Hereditary cancer-predisposing syndrome. Also called: Neoplastic Syndromes, Hereditary; Tumor predisposition; Hereditary neoplastic syndrome; Hereditary Cancer Syndrome. Identifiers: Orphanet 140162, MedGen C0027672, MeSH D009386, MONDO:0015356.

Submission:

Ambry Genetics
Classification: Uncertain significance for Hereditary cancer-predisposing syndrome. Last evaluated: 2026-06-26. Review status: criteria provided, single submitter. Criteria: Ambry Variant Classification Scheme 2023. Collection method: clinical testing. Allele origin: germline.
Comment: The c.1323+3_1323+7delAAGTGinsT intronic variant begins 3 nucleotides after coding exon 13 of the MUTYH gene. This variant results from a deletion of 5 nucleotides and the insertion of one nucleotide at nucleotide positions 1323+3 to 1323+7. This nucleotide region is not well conserved in available vertebrate species. In silico splice site analysis predicts that this alteration will not have any significant effect on splicing. Based on the available evidence, the clinical significance of this variant remains unclear.